The following is an entry in ClinVar:

ClinVar aggregate classification (germline): Uncertain significance (1 of 4 stars; one submission).

Submission:

Labcorp Genetics (formerly Invitae), Labcorp
Classification: Uncertain significance. Last evaluated: 2022-05-17. Review status: criteria provided, single submitter. Criteria: Invitae Variant Classification Sherloc (09022015). Collection method: clinical testing. Allele origin: germline.
Comment: In summary, the available evidence is currently insufficient to determine the role of this variant in disease. Therefore, it has been classified as a Variant of Uncertain Significance. Algorithms developed to predict the effect of missense changes on protein structure and function are either unavailable or do not agree on the potential impact of this missense change (SIFT: "Not Available"; PolyPhen-2: "Probably Damaging"; Align-GVGD: "Not Available"). This variant has not been reported in the literature in individuals affected with ANK3-related conditions. This variant is not present in population databases (gnomAD no frequency). This sequence change replaces proline, which is neutral and non-polar, with alanine, which is neutral and non-polar, at codon 1722 of the ANK3 protein (p.Pro1722Ala).

NM_020987.5(ANK3):c.5164C>G (p.Pro1722Ala)

Gene: ANK3 (ankyrin 3; minus strand). Cytogenetic location: 10q21.2.
Variant type: single nucleotide variant.
Coding change: c.5164C>G on transcript NM_020987.5 (MANE Select); coding-DNA position 5164, C replaced by G.
Protein change: p.Pro1722Ala; replaces proline 1722 with alanine.
Molecular consequence: missense variant. On other transcripts: intron variant (4).
Genome position (GRCh38, 1-based): chr10:60,075,717, G>C on the plus strand (C>G on the coding strand, the complement: ANK3 is on the minus strand). VCF-style: chr10-60075717-G-C. GRCh37 (hg19) VCF-style: chr10-61835475-G-C.
Other names: c.4387+4820C>G (NM_001204403.2); c.4408+4820C>G (NM_001204404.2); c.4405+4820C>G (NM_001320874.2); c.1807+4820C>G (NM_001149.4); short protein forms P1722A.
Identifiers: ClinVar variation 1995775 (VCV001995775.4), dbSNP rs2492574407, ClinGen allele CA377016106.